The following is an entry in ClinVar:

ClinVar aggregate classification (germline): Uncertain significance (1 of 4 stars; one submission).

Conditions:
Melnick-Needles syndrome (MNS). Also called: MELNICK-NEEDLES OSTEODYSPLASTY; OSTEODYSPLASTY OF MELNICK AND NEEDLES; Melnick-Needles Syndrome (FLNA-MNS). Identifiers: Orphanet 2484, MedGen C0025237, MONDO:0010650, OMIM 309350.
Frontometaphyseal dysplasia (FMD1). Identifiers: Orphanet 1826, MedGen C0265293, MONDO:0015942.
Heterotopia, periventricular, X-linked dominant (PVNH1). Also called: PERIVENTRICULAR NODULAR HETEROTOPIA 1; X-linked periventricular heterotopia; PERIVENTRICULAR NODULAR HETEROTOPIA 4; HETEROTOPIA, PERIVENTRICULAR, 1. Identifiers: Orphanet 2149, Orphanet 82004, MedGen C1848213, MONDO:0010233, OMIM 300049.
Oto-palato-digital syndrome, type II (OPD2). Also called: FACIOPALATOOSSEOUS SYNDROME; OPD II SYNDROME; Otopalatodigital Syndrome, Type II; Otopalatodigital Syndrome Type 2 (FLNA-OPD2). Identifiers: Orphanet 669, Orphanet 90652, MedGen C1844696, MONDO:0010571, OMIM 304120.

gnomAD v4.1: 2 of 1,207,633 alleles (0.00017%); highest among the groups gnomAD compares: Non-Finnish European, 0.00022%; no homozygotes.

Submission:

Labcorp Genetics (formerly Invitae), Labcorp
Classification: Uncertain significance for Oto-palato-digital syndrome, type II; Heterotopia, periventricular, X-linked dominant; Frontometaphyseal dysplasia; Melnick-Needles syndrome. Last evaluated: 2025-06-22. Review status: criteria provided, single submitter. Criteria: Invitae Variant Classification Sherloc (09022015). Collection method: clinical testing. Allele origin: germline.
Comment: This sequence change replaces alanine, which is neutral and non-polar, with serine, which is neutral and polar, at codon 677 of the FLNA protein (p.Ala677Ser). This variant is not present in population databases (gnomAD no frequency). This variant has not been reported in the literature in individuals affected with FLNA-related conditions. ClinVar contains an entry for this variant (Variation ID: 3750380). Invitae Evidence Modeling of protein sequence and biophysical properties (such as structural, functional, and spatial information, amino acid conservation, physicochemical variation, residue mobility, and thermodynamic stability) indicates that this missense variant is not expected to disrupt FLNA protein function with a negative predictive value of 95%. In summary, the available evidence is currently insufficient to determine the role of this variant in disease. Therefore, it has been classified as a Variant of Uncertain Significance.

NM_001110556.2(FLNA):c.2029G>T (p.Ala677Ser)

Gene: FLNA (filamin A; minus strand). Cytogenetic location: Xq28.
Variant type: single nucleotide variant.
Coding change: c.2029G>T on transcript NM_001110556.2 (MANE Select); coding-DNA position 2029, G replaced by T.
Protein change: p.Ala677Ser; replaces alanine 677 with serine.
Molecular consequence: missense variant.
Genome position (GRCh38, 1-based): chrX:154,364,366, C>A on the plus strand (G>T on the coding strand, the complement: FLNA is on the minus strand). VCF-style: chrX-154364366-C-A. GRCh37 (hg19) VCF-style: chrX-153592734-C-A.
Other names: c.2029G>T, p.Ala677Ser (NM_001456.4); short protein forms A677S.
Identifiers: ClinVar variation 3750380 (VCV003750380.2).